The following is an entry in ClinVar:

ClinVar aggregate classification (germline): Uncertain significance (1 of 4 stars; one submission).

Submission:

Labcorp Genetics (formerly Invitae), Labcorp
Classification: Uncertain significance. Last evaluated: 2024-09-14. Review status: criteria provided, single submitter. Criteria: Invitae Variant Classification Sherloc (09022015). Collection method: clinical testing. Allele origin: germline.
Comment: This variant, c.1822_1833del, results in the deletion of 4 amino acid(s) of the CDH3 protein (p.Lys608_Lys611del), but otherwise preserves the integrity of the reading frame. This variant is not present in population databases (gnomAD no frequency). This variant has been observed in individual(s) with clinical features of CDH3-related conditions (internal data). In at least one individual the data is consistent with being in trans (on the opposite chromosome) from a pathogenic variant. Experimental studies and prediction algorithms are not available or were not evaluated, and the functional significance of this variant is currently unknown. In summary, the available evidence is currently insufficient to determine the role of this variant in disease. Therefore, it has been classified as a Variant of Uncertain Significance.

NM_001793.6(CDH3):c.1822_1833del (p.Lys608_Lys611del)

Gene: CDH3 (cadherin 3; plus strand). Cytogenetic location: 16q22.1.
Variant type: Deletion.
Coding change: c.1822_1833del on transcript NM_001793.6 (MANE Select); coding-DNA positions 1822 to 1833, 12 bases deleted (AAGTTCCTGAAG).
Protein change: p.Lys608_Lys611del.
Genome position (GRCh38, 1-based): chr16:68,691,746-68,691,757, AAGTTCCTGAAG deleted; deleting any 12 consecutive bases within chr16:68,691,739-68,691,757 gives the same sequence; the c. name uses the placement nearest the transcript's 3' end. VCF-style (leftmost placement, unchanged base first): chr16-68691738-CCCTGAAGAAGTT-C. GRCh37 (hg19) VCF-style: chr16-68725641-CCCTGAAGAAGTT-C.
Other names: c.1822_1833del, p.Lys608_Lys611del (NM_001317195.3); c.1657_1668del, p.Lys553_Lys556del (NM_001317196.2).
Identifiers: ClinVar variation 3664070 (VCV003664070.2).